The following is an entry in ClinVar:

ClinVar aggregate classification (germline): Uncertain significance. Review status: criteria provided, multiple submitters, no conflicts (2 of 4 stars). 6 submissions from 6 submitters: Uncertain significance (6). Last evaluated 2026-04-11.

Conditions:
Inborn genetic diseases. Identifiers: MedGen C0950123, MeSH D030342.
Autosomal recessive nonsyndromic hearing loss 30. Identifiers: Orphanet 90636, MedGen C1846784, MONDO:0011774, OMIM 607101.
MYO3A-related disorder. Also called: MYO3A-related condition.
Hearing impairment. Also called: Impaired Hearing. Identifiers: MedGen C1384666, MONDO:0005365, HP:0000365.

Allele frequency attached by ClinVar (database versions not stated): gnomAD 0.00020 and 0.00021; TOPMed 0.00021; ESP Exome Variant Server 0.00031.
gnomAD v4.1: 239 of 1,612,400 alleles (0.015%); highest among the groups gnomAD compares: Non-Finnish European, 0.019%; 1 homozygote.

Submissions (6):

PreventionGenetics, part of Exact Sciences
Classification: Uncertain significance for MYO3A-related condition. Last evaluated: 2026-04-11. Review status: criteria provided, single submitter. Criteria: ACMG Guidelines, 2015. Collection method: clinical testing. Allele origin: germline.
Comment: The MYO3A c.152T>A variant is predicted to result in the amino acid substitution p.Ile51Asn. To our knowledge, this variant has not been reported in the literature. This variant is reported in 0.048% of alleles in individuals of Ashkenazi Jewish descent in gnomAD. At this time, the clinical significance of this variant is uncertain due to the absence of conclusive functional and genetic evidence.

Labcorp Genetics (formerly Invitae), Labcorp
Classification: Uncertain significance. Last evaluated: 2025-09-22. Review status: criteria provided, single submitter. Criteria: Invitae Variant Classification Sherloc (09022015). Collection method: clinical testing. Allele origin: germline.
Comment: This sequence change replaces isoleucine, which is neutral and non-polar, with asparagine, which is neutral and polar, at codon 51 of the MYO3A protein (p.Ile51Asn). This variant is present in population databases (rs144008984, gnomAD 0.05%). This variant has not been reported in the literature in individuals affected with MYO3A-related conditions. ClinVar contains an entry for this variant (Variation ID: 299644). An algorithm developed to predict the effect of missense changes on protein structure and function (PolyPhen-2) suggests that this variant is likely to be disruptive. In summary, the available evidence is currently insufficient to determine the role of this variant in disease. Therefore, it has been classified as a Variant of Uncertain Significance.

Ambry Genetics
Classification: Uncertain significance for Inborn genetic diseases. Last evaluated: 2025-07-12. Review status: criteria provided, single submitter. Criteria: Ambry Variant Classification Scheme 2023. Collection method: clinical testing. Allele origin: germline.

GeneDx
Classification: Uncertain significance. Last evaluated: 2023-08-11. Review status: criteria provided, single submitter. Criteria: GeneDx Variant Classification Process June 2021. Collection method: clinical testing. Allele origin: germline. Affected: yes.
Comment: In silico analysis supports that this missense variant has a deleterious effect on protein structure/function; Has not been previously published as pathogenic or benign to our knowledge

Department of Otolaryngology – Head & Neck Surgery, Cochlear Implant Center
Classification: Uncertain significance for Hearing impairment. Last evaluated: 2021-04-12. Review status: criteria provided, single submitter. Criteria: ClinGen HL ACMG Specifications v1. Collection method: clinical testing. Allele origin: germline. Affected: yes.
Comment: PP3_Supporting

Illumina Laboratory Services, Illumina
Classification: Uncertain significance for Autosomal recessive nonsyndromic hearing loss 30. Last evaluated: 2018-01-13. Review status: criteria provided, single submitter. Criteria: ICSL Variant Classification Criteria 13 December 2019. Collection method: clinical testing. Allele origin: germline.

NM_017433.5(MYO3A):c.152T>A (p.Ile51Asn)

Gene: MYO3A (myosin IIIA; plus strand). Cytogenetic location: 10p12.1.
Variant type: single nucleotide variant.
Coding change: c.152T>A on transcript NM_017433.5 (MANE Select); coding-DNA position 152, T replaced by A.
Protein change: p.Ile51Asn; replaces isoleucine 51 with asparagine.
Molecular consequence: missense variant.
Genome position (GRCh38, 1-based): chr10:25,952,262, T>A. VCF-style: chr10-25952262-T-A. GRCh37 (hg19) VCF-style: chr10-26241191-T-A.
Other names: c.152T>A, p.Ile51Asn (NM_001368265.1); short protein forms I51N.
Identifiers: ClinVar variation 299644 (VCV000299644.18), dbSNP rs144008984, ClinGen allele CA5444203.